The following is an entry in ClinVar:

NM_000132.4(F8):c.599A>G (p.Glu200Gly)

Gene: F8 (coagulation factor VIII; minus strand). Cytogenetic location: Xq28.
Variant type: single nucleotide variant.
Coding change: c.599A>G on transcript NM_000132.4 (MANE Select); coding-DNA position 599, A replaced by G.
Protein change: p.Glu200Gly; replaces glutamic acid 200 with glycine.
Molecular consequence: missense variant.
Genome position (GRCh38, 1-based): chrX:154,992,938, T>C on the plus strand (A>G on the coding strand, the complement: F8 is on the minus strand). VCF-style: chrX-154992938-T-C. GRCh37 (hg19) VCF-style: chrX-154221213-T-C.
Other names: NM_000132.4(F8):c.599A>G; p.Glu200Gly; short protein forms E200G.
Identifiers: ClinVar variation 449370 (VCV000449370.11), dbSNP rs782158761, ClinGen allele CA10568575.

ClinVar aggregate classification (germline): Pathogenic. Review status: reviewed by expert panel (3 of 4 stars). 5 submissions from 5 submitters: Pathogenic (1). 4 of the submissions do not count toward it. Last evaluated 2024-02-02.

Conditions:
Hereditary factor VIII deficiency disease (HEMA). Also called: Hemophilia A, congenital; HEM A; Factor 8 deficiency, congenital; AUTOSOMAL HEMOPHILIA A; HEMOPHILIA, CLASSIC; Hemophilia A. Identifiers: Orphanet 98878, MedGen C0019069, MONDO:0010602, OMIM 306700.
Abnormality of coagulation. Identifiers: MedGen C1846821, HP:0001928.

Allele frequency attached by ClinVar (database versions not stated): gnomAD exomes below 0.00001 and 0.00001; ExAC 0.00001; TOPMed 0.00002.
gnomAD v4.1: 1 of 1,207,554 alleles (0.000083%); highest among the groups gnomAD compares: South Asian, 0.0018%; no homozygotes.

Submissions (5):

ClinGen Coagulation Factor Deficiency Variant Curation Expert Panel, Clingen
Classification: Pathogenic for Hereditary factor VIII deficiency disease. Last evaluated: 2024-02-02. Review status: reviewed by expert panel. Criteria: ClinGen CoagFactor ACMG Specifications F8 V1.0.0. Collection method: curation. Allele origin: germline. Inheritance: X-linked inheritance.
Comment: The c.599A>G (p.Glu200Gly) missense variant has a REVEL score of 0.779 which meets PP3 criteria (threshold >0.6). This variant is present in 1 hemizygote in gnomAD v2.1.1 and v3.1 and therefore, does not meet criteria for rarity in the population. At least 9 patients with mild hemophilia A are reported in literature, meeting F8 phenotype criteria for PS4_Very strong and PP4_Moderate (PMID: 29296726, 29388750). Three related individuals were reported in Reitter, et al (PMID: 20431853), and two were specifically mentioned to be uncle and a nephew, which counts as 2 meioses. Additionally, authors of the Boylan, et al. paper informed this VCEP that one of the probands had an affected relative who also has this variant, which is counted as 1 meioses (PMID: 25780857). This gives a total of 3 meioses and meeting PP1_Moderate criteria. In summary, this variant meets criteria to be classified as pathogenic. ACMG/AMP criteria applied, as specified by the Coagulation Factor Deficiency Variant Curation Expert Panel for F8: PS4_Very strong, PP1_Moderate, PP4_Moderate, PP3.

CeGaT Center for Human Genetics Tuebingen
Classification: Likely pathogenic. Last evaluated: 2026-07-01. Review status: criteria provided, single submitter. Criteria: CeGaT Center For Human Genetics Tuebingen Variant Classification Criteria Version 2. Collection method: clinical testing. Allele origin: germline. Affected: yes. Observed: 1 variant allele. Not counted in ClinVar's aggregate classification.
Comment: F8: PS4, PM2

Women's Health and Genetics/Laboratory Corporation of America, LabCorp
Classification: Pathogenic for Hereditary factor VIII deficiency disease. Last evaluated: 2023-10-02. Review status: criteria provided, single submitter. Criteria: LabCorp Variant Classification Summary - May 2015. Collection method: clinical testing. Allele origin: germline. Not counted in ClinVar's aggregate classification.
Comment: Variant summary: F8 c.599A>G (p.Glu200Gly) results in a non-conservative amino acid change in the encoded protein sequence and is located near a consensus splice site. Four of five in-silico tools predict a damaging effect of the variant on protein function. Consensus agreement among computation tools predict no significant impact on normal splicing. However, these predictions have yet to be confirmed by functional studies. The variant allele was found at a frequency of 5.5e-06 in 183347 control chromosomes (gnomAD). c.599A>G has been reported in the literature in the hemizygous state in multiple individuals affected with mild Factor VIII Deficiency (Hemophilia A) and in the heterozygous state in at least one female individual who had a mild phenotype (e.g. Miller_2012, Debeljak_2012, Eckhardt_2013, Gebhart_2018). These data indicate that the variant is very likely to be associated with disease. To our knowledge, no experimental evidence demonstrating an impact on protein function has been reported. The following publications have been ascertained in the context of this evaluation (PMID: 22958177, 31064749, 23926300, 29388750, 22103590). Two submitters have cited clinical-significance assessments for this variant to ClinVar after 2014. One submitter classified the variant as likely pathogenic, and one submitter classified the variant as uncertain significance. Based on the evidence outlined above, the variant was classified as pathogenic.

GeneDx
Classification: Uncertain significance. Last evaluated: 2019-07-18. Review status: criteria provided, single submitter. Criteria: GeneDx Variant Classification Process June 2021. Collection method: clinical testing. Allele origin: germline. Affected: yes. Not counted in ClinVar's aggregate classification.
Comment: In silico analysis, which includes protein predictors and evolutionary conservation, supports a deleterious effect; This variant is associated with the following publications: (PMID: 20431853, 29388750)

NIHR Bioresource Rare Diseases, University of Cambridge
Classification: Likely pathogenic for Abnormality of coagulation. Last evaluated: 2019-02-01. Review status: criteria provided, single submitter. Criteria: ACMG Guidelines, 2015. Collection method: research. Allele origin: unknown. Affected: yes. Observed: 1 heterozygote, 1 hemizygote. Study: ThromboGenomics. Not counted in ClinVar's aggregate classification.

Literature cited by the submitters: PubMed 31064749 (cited by Women's Health and Genetics/Laboratory Corporation of America, LabCorp and NIHR Bioresource Rare Diseases, University of Cambridge); PubMed 23926300 (cited by Women's Health and Genetics/Laboratory Corporation of America, LabCorp); PubMed 22103590 (cited by Women's Health and Genetics/Laboratory Corporation of America, LabCorp); PubMed 22958177 (cited by Women's Health and Genetics/Laboratory Corporation of America, LabCorp); PubMed 29388750 (cited by Women's Health and Genetics/Laboratory Corporation of America, LabCorp).